The following is an entry in ClinVar:

ClinVar aggregate classification (germline): Uncertain significance (1 of 4 stars; one submission).

Conditions:
Malignant hyperthermia, susceptibility to, 1 (MHS1). Also called: Anesthesia related hyperthermia; Malignant hyperpyrexia; Fulminating hyperpyrexia; Pharmacogenic myopathy; RYR1-Related Malignant Hyperthermia Susceptibility; Malignant hyperthermia suceptibility 1. Identifiers: Orphanet 423, MedGen C2930980, MONDO:0007783, OMIM 145600.

gnomAD v4.1: 3 of 1,613,458 alleles (0.00019%); highest among the groups gnomAD compares: Non-Finnish European, 0.00025%; no homozygotes.

Submission:

All of Us Research Program, National Institutes of Health
Classification: Uncertain significance for Malignant hyperthermia, susceptibility to, 1. Last evaluated: 2023-08-15. Review status: criteria provided, single submitter. Criteria: ACMG Guidelines, 2015. Collection method: clinical testing. Allele origin: germline. Inheritance: Autosomal dominant inheritance. Observed: 1 variant allele, 1 heterozygote.
Comment: This study involves interpretation of variants in research participants for the purpose of population health screening. Participant phenotype was not available at the time of variant classification. Additional details can be found in publication PMID: 35346344, PMCID: PMC8962531

NM_000540.3(RYR1):c.8521A>C (p.Lys2841Gln)

Genes: RYR1 (ryanodine receptor 1; plus strand), LOC126862902 (BRD4-independent group 4 enhancer GRCh37_chr19:38995830-38997029; plus strand). Cytogenetic location: 19q13.2.
Variant type: single nucleotide variant.
Coding change: c.8521A>C on transcript NM_000540.3 (MANE Select); coding-DNA position 8521, A replaced by C.
Protein change: p.Lys2841Gln; replaces lysine 2841 with glutamine.
Molecular consequence: missense variant.
Genome position (GRCh38, 1-based): chr19:38,505,926, A>C. VCF-style: chr19-38505926-A-C. GRCh37 (hg19) VCF-style: chr19-38996566-A-C.
Other names: c.8521A>C, p.Lys2841Gln (NM_001042723.2); short protein forms K2841Q.
Identifiers: ClinVar variation 3072606 (VCV003072606.1), dbSNP rs1426300780, ClinGen allele CA405678992.